The following is an entry in ClinVar:

NM_017415.3(KLHL3):c.593G>T (p.Ser198Ile)

Gene: KLHL3 (kelch like family member 3; minus strand). Cytogenetic location: 5q31.2.
Variant type: single nucleotide variant.
Coding change: c.593G>T on transcript NM_017415.3 (MANE Select); coding-DNA position 593, G replaced by T.
Protein change: p.Ser198Ile; replaces serine 198 with isoleucine.
Molecular consequence: missense variant.
Genome position (GRCh38, 1-based): chr5:137,677,588, C>A on the plus strand (G>T on the coding strand, the complement: KLHL3 is on the minus strand). VCF-style: chr5-137677588-C-A. GRCh37 (hg19) VCF-style: chr5-137013277-C-A.
Other names: c.497G>T, p.Ser166Ile (NM_001257194.1); c.347G>T, p.Ser116Ile (NM_001257195.2); short protein forms S198I, S116I, S166I.
Identifiers: ClinVar variation 5023356 (VCV005023356.1).

ClinVar aggregate classification (germline): Uncertain significance (1 of 4 stars; one submission).

Conditions:
Inborn genetic diseases. Identifiers: MedGen C0950123, MeSH D030342.

gnomAD v4.1: 2 of 1,610,480 alleles (0.00012%); highest among the groups gnomAD compares: Non-Finnish European, 0.00017%; no homozygotes.

Submission:

Ambry Genetics
Classification: Uncertain significance for Inborn genetic diseases. Last evaluated: 2026-07-23. Review status: criteria provided, single submitter. Criteria: Ambry Variant Classification Scheme 2023. Collection method: clinical testing. Allele origin: germline.
Comment: The c.593G>T (p.S198I) alteration is located in exon 6 (coding exon 6) of the KLHL3 gene. This alteration results from a G to T substitution at nucleotide position 593, causing the serine (S) at amino acid position 198 to be replaced by an isoleucine (I). Based on data from gnomAD, the T allele has an overall frequency of <0.001% (1/246982) total alleles studied. The highest observed frequency was 0.001% (1/111906) of European (non-Finnish) alleles. Based on insufficient or conflicting evidence, the clinical significance of this alteration remains unclear.